The following is an entry in ClinVar:

NM_000548.5(TSC2):c.2106C>A (p.Asp702Glu)

Gene: TSC2 (TSC complex subunit 2; plus strand). Cytogenetic location: 16p13.3.
Variant type: single nucleotide variant.
Coding change: c.2106C>A on transcript NM_000548.5 (MANE Select); coding-DNA position 2106, C replaced by A.
Protein change: p.Asp702Glu; replaces aspartic acid 702 with glutamic acid.
Molecular consequence: missense variant.
Genome position (GRCh38, 1-based): chr16:2,072,249, C>A. VCF-style: chr16-2072249-C-A. GRCh37 (hg19) VCF-style: chr16-2122250-C-A.
Other names: c.2106C>A, p.Asp702Glu (NM_001406665.1, NM_001077183.3, NM_001114382.3 and 6 more transcripts); c.2196C>A, p.Asp732Glu (NM_001406667.1, NM_001406668.1); c.1995C>A, p.Asp665Glu (NM_001406670.1, NM_001406678.1, NM_001318827.2); c.2094C>A, p.Asp698Glu (NM_001406671.1, NM_001406673.1); c.1959C>A, p.Asp653Glu (NM_001406675.1, NM_001406676.1, NM_001318829.2 and 1 more transcripts); c.2049C>A, p.Asp683Glu (NM_001406677.1); c.1506C>A, p.Asp502Glu (NM_001318831.2, NM_001406680.1, NM_001406682.1 and 6 more transcripts); c.2139C>A, p.Asp713Glu (NM_001318832.2); and 3 more; short protein forms D254E, D698E, D702E, D168E, D548E, D665E, D683E, D713E.
Identifiers: ClinVar variation 2079208 (VCV002079208.6), dbSNP rs1396298404, ClinGen allele CA394274762.
Genomic context (GRCh38, chr16:2,072,249, plus strand): 5'-CTCTGTCTCTAGGGTCCAGAAGGCCCTGTCCTGACGCCTCCTCTCCTCGCAGGAGTCTGA[C>A]TGGAAGGTGCTGAAGCTGGTTCTGGGCAGGCTGCCTGAGTCCCTGCGCTATAAAGTGCTC-3'
Protein context (NP_000539.2, residues 692-712): VLLQCLKQES[Asp702Glu]WKVLKLVLGR

ClinVar aggregate classification (germline): Uncertain significance. Review status: criteria provided, multiple submitters, no conflicts (2 of 4 stars). 2 submissions from 2 submitters: Uncertain significance (2). Last evaluated 2026-06-01.

Conditions:
Tuberous sclerosis 2 (TSC2). Identifiers: Orphanet 805, MedGen C1860707, MONDO:0013199, OMIM 613254.

Submissions (2):

CeGaT Center for Human Genetics Tuebingen
Classification: Uncertain significance. Last evaluated: 2026-06-01. Review status: criteria provided, single submitter. Criteria: CeGaT Center For Human Genetics Tuebingen Variant Classification Criteria Version 2. Collection method: clinical testing. Allele origin: germline. Affected: yes. Observed: 1 variant allele.
Comment: TSC2: PM2

Labcorp Genetics (formerly Invitae), Labcorp
Classification: Uncertain significance for Tuberous sclerosis 2. Last evaluated: 2022-05-25. Review status: criteria provided, single submitter. Criteria: Invitae Variant Classification Sherloc (09022015). Collection method: clinical testing. Allele origin: germline.
Comment: This variant is not present in population databases (gnomAD no frequency). In summary, the available evidence is currently insufficient to determine the role of this variant in disease. Therefore, it has been classified as a Variant of Uncertain Significance. Advanced modeling of protein sequence and biophysical properties (such as structural, functional, and spatial information, amino acid conservation, physicochemical variation, residue mobility, and thermodynamic stability) performed at Invitae indicates that this missense variant is not expected to disrupt TSC2 protein function. This variant has not been reported in the literature in individuals affected with TSC2-related conditions. This sequence change replaces aspartic acid, which is acidic and polar, with glutamic acid, which is acidic and polar, at codon 702 of the TSC2 protein (p.Asp702Glu).